The following is an entry in ClinVar:

ClinVar aggregate classification (germline): Uncertain significance (1 of 4 stars; one submission).

Conditions:
Autosomal recessive nonsyndromic hearing loss 12. Also called: DEAFNESS, AUTOSOMAL RECESSIVE 12. Identifiers: Orphanet 90636, MedGen C1832394, MONDO:0011067, OMIM 601386.

Submission:

Wangler Lab, Baylor College of Medicine
Classification: Uncertain significance for Autosomal recessive nonsyndromic hearing loss 12. Review status: criteria provided, single submitter. Criteria: ACMG Guidelines, 2015. Collection method: clinical testing. Allele origin: unknown. Inheritance: Autosomal recessive inheritance. Affected: yes.
Comment: The missense CDH23 variant at c.6191A>G (p.D2064G) was seen on exome through the Texome project (R01HG011795). It has not been observed in gnomAD. This variant has an inconclusive CADD score (15.530) and the evolutionary conservation of this residue is high. We classify this as a VUS.

NM_022124.6(CDH23):c.6191A>G (p.Asp2064Gly)

Gene: CDH23 (cadherin related 23; plus strand). Cytogenetic location: 10q22.1.
Variant type: single nucleotide variant.
Coding change: c.6191A>G on transcript NM_022124.6 (MANE Select); coding-DNA position 6191, A replaced by G.
Protein change: p.Asp2064Gly; replaces aspartic acid 2064 with glycine.
Molecular consequence: missense variant.
Genome position (GRCh38, 1-based): chr10:71,791,273, A>G. VCF-style: chr10-71791273-A-G. GRCh37 (hg19) VCF-style: chr10-73551030-A-G.
Other names: short protein forms D2064G.
Identifiers: ClinVar variation 1803791 (VCV001803791.2), dbSNP rs2494377817, ClinGen allele CA377153051.